The following is an entry in ClinVar:

ClinVar aggregate classification (germline): Uncertain significance. Review status: criteria provided, multiple submitters, no conflicts (2 of 4 stars). 2 submissions from 2 submitters: Uncertain significance (2). Last evaluated 2025-11-08.

Conditions:
Primary ciliary dyskinesia. Also called: Ciliary dyskinesia. Identifiers: Orphanet 244, MedGen C0008780, MONDO:0016575, HP:0012265.

Allele frequency attached by ClinVar (database versions not stated): gnomAD exomes below 0.00001; gnomAD 0.00002; TOPMed 0.00002; 1000 Genomes Project 30x 0.00016.
gnomAD v4.1: 6 of 1,614,164 alleles (0.00037%); highest among the groups gnomAD compares: African/African-American, 0.0053%; no homozygotes.

Submissions (2):

Ambry Genetics
Classification: Uncertain significance. Last evaluated: 2025-11-08. Review status: criteria provided, single submitter. Criteria: Ambry Variant Classification Scheme 2023. Collection method: clinical testing. Allele origin: germline.

Labcorp Genetics (formerly Invitae), Labcorp
Classification: Uncertain significance for Primary ciliary dyskinesia. Last evaluated: 2022-06-14. Review status: criteria provided, single submitter. Criteria: Invitae Variant Classification Sherloc (09022015). Collection method: clinical testing. Allele origin: germline.
Comment: In summary, the available evidence is currently insufficient to determine the role of this variant in disease. Therefore, it has been classified as a Variant of Uncertain Significance. Algorithms developed to predict the effect of missense changes on protein structure and function are either unavailable or do not agree on the potential impact of this missense change (SIFT: "Deleterious"; PolyPhen-2: "Not Available"; Align-GVGD: "Class C0"). This variant has not been reported in the literature in individuals affected with DNAH8-related conditions. This variant is not present in population databases (gnomAD no frequency). This sequence change replaces alanine, which is neutral and non-polar, with threonine, which is neutral and polar, at codon 3207 of the DNAH8 protein (p.Ala3207Thr).

NM_001206927.2(DNAH8):c.9619G>A (p.Ala3207Thr)

Genes: DNAH8 (dynein axonemal heavy chain 8; plus strand), DNAH8-AS1 (DNAH8 antisense RNA 1; minus strand). Cytogenetic location: 6p21.2.
Variant type: single nucleotide variant.
Coding change: c.9619G>A on transcript NM_001206927.2 (MANE Select); coding-DNA position 9619, G replaced by A.
Protein change: p.Ala3207Thr; replaces alanine 3207 with threonine.
Molecular consequence: missense variant.
Genome position (GRCh38, 1-based): chr6:38,909,623, G>A. VCF-style: chr6-38909623-G-A. GRCh37 (hg19) VCF-style: chr6-38877399-G-A.
Other names: c.8968G>A, p.Ala2990Thr (NM_001371.4); c.9619G>A (NM_001206927.1); short protein forms A3207T, A2990T.
Identifiers: ClinVar variation 2039768 (VCV002039768.4), dbSNP rs1221318001, ClinGen allele CA364002504.